The following is an entry in ClinVar:

NM_152468.5(TMC8):c.922C>T (p.Leu308Phe)

Gene: TMC8 (transmembrane channel like 8; plus strand). Cytogenetic location: 17q25.3.
Variant type: single nucleotide variant.
Coding change: c.922C>T on transcript NM_152468.5 (MANE Select); coding-DNA position 922, C replaced by T.
Protein change: p.Leu308Phe; replaces leucine 308 with phenylalanine.
Molecular consequence: missense variant.
Genome position (GRCh38, 1-based): chr17:78,134,499, C>T. VCF-style: chr17-78134499-C-T. GRCh37 (hg19) VCF-style: chr17-76130580-C-T.
Other names: short protein forms L308F.
Identifiers: ClinVar variation 2907080 (VCV002907080.1), dbSNP rs761343022, ClinGen allele CA294365212.
Genomic context (GRCh38, chr17:78,134,499, plus strand): 5'-ACCCGGGCCCAGACGGCCTGCCGCCTGCTCTCCTACCTGCGGGTCAACGTACTCAACGGG[C>T]TCCTGGTGGTTGGGGCCATCAGCGCCATCTTCTGGGCTACCAAGTACTCACAGGACAACA-3'
Protein context (NP_689681.2, residues 298-318): SYLRVNVLNG[Leu308Phe]LVVGAISAIF

ClinVar aggregate classification (germline): Uncertain significance (1 of 4 stars; one submission).

Conditions:
Epidermodysplasia verruciformis. Identifiers: Orphanet 302, MedGen C0014522, MONDO:0009176.

Allele frequency attached by ClinVar (database versions not stated): TOPMed below 0.00001; gnomAD exomes 0.00001.
gnomAD v4.1: 15 of 1,614,118 alleles (0.00093%); highest among the groups gnomAD compares: Non-Finnish European, 0.0011%; no homozygotes.

Submission:

Labcorp Genetics (formerly Invitae), Labcorp
Classification: Uncertain significance for Epidermodysplasia verruciformis. Last evaluated: 2023-09-30. Review status: criteria provided, single submitter. Criteria: Invitae Variant Classification Sherloc (09022015). Collection method: clinical testing. Allele origin: germline.
Comment: Advanced modeling of protein sequence and biophysical properties (such as structural, functional, and spatial information, amino acid conservation, physicochemical variation, residue mobility, and thermodynamic stability) performed at Invitae indicates that this missense variant is not expected to disrupt TMC8 protein function. This sequence change replaces leucine, which is neutral and non-polar, with phenylalanine, which is neutral and non-polar, at codon 308 of the TMC8 protein (p.Leu308Phe). This variant is present in population databases (rs761343022, gnomAD 0.01%). This variant has not been reported in the literature in individuals affected with TMC8-related conditions. In summary, the available evidence is currently insufficient to determine the role of this variant in disease. Therefore, it has been classified as a Variant of Uncertain Significance.